The following is an entry in ClinVar:

NM_001321120.2(TBX4):c.934C>T (p.Gln312Ter)

Gene: TBX4 (T-box transcription factor 4; plus strand). Cytogenetic location: 17q23.2.
Variant type: single nucleotide variant.
Coding change: c.934C>T on transcript NM_001321120.2 (MANE Select); coding-DNA position 934, C replaced by T.
Protein change: p.Gln312Ter; replaces glutamine 312 with a stop codon.
Molecular consequence: nonsense.
Genome position (GRCh38, 1-based): chr17:61,480,232, C>T. VCF-style: chr17-61480232-C-T. GRCh37 (hg19) VCF-style: chr17-59557593-C-T.
Other names: c.934C>T, p.Gln312Ter (NM_018488.3); short protein forms Q312*.
Identifiers: ClinVar variation 1965499 (VCV001965499.5), dbSNP rs1213808242, ClinGen allele CA400474619.

ClinVar aggregate classification (germline): Pathogenic (1 of 4 stars; one submission).

Allele frequency attached by ClinVar (database versions not stated): TOPMed below 0.00001.

Submission:

Labcorp Genetics (formerly Invitae), Labcorp
Classification: Pathogenic. Last evaluated: 2021-12-21. Review status: criteria provided, single submitter. Criteria: Invitae Variant Classification Sherloc (09022015). Collection method: clinical testing. Allele origin: germline.
Comment: This sequence change creates a premature translational stop signal (p.Gln312*) in the TBX4 gene. It is expected to result in an absent or disrupted protein product. Loss-of-function variants in TBX4 are known to be pathogenic (PMID: 15106123, 31151956, 31761294, 31965066, 32079640). This variant is not present in population databases (gnomAD no frequency). This variant has not been reported in the literature in individuals affected with TBX4-related conditions. For these reasons, this variant has been classified as Pathogenic.

Literature cited by the submitters: PubMed 15106123; PubMed 31151956; PubMed 31761294; PubMed 31965066; PubMed 32079640.